The following is an entry in ClinVar:

NM_000092.5(COL4A4):c.931-2A>T

Gene: COL4A4 (collagen type IV alpha 4 chain; minus strand). Cytogenetic location: 2q36.3.
Variant type: single nucleotide variant.
Coding change: c.931-2A>T on transcript NM_000092.5 (MANE Select); the canonical splice acceptor site of the intron before coding-DNA position 931, A replaced by T.
Molecular consequence: splice acceptor variant.
Genome position (GRCh38, 1-based): chr2:227,101,911, T>A on the plus strand (A>T on the coding strand, the complement: COL4A4 is on the minus strand). VCF-style: chr2-227101911-T-A. GRCh37 (hg19) VCF-style: chr2-227966627-T-A.
Identifiers: ClinVar variation 4817353 (VCV004817353.2).

ClinVar aggregate classification (germline): Pathogenic/Likely pathogenic. Review status: criteria provided, multiple submitters, no conflicts (2 of 4 stars). 2 submissions from 2 submitters: Pathogenic (1); Likely pathogenic (1). Last evaluated 2024-05-01.

Conditions:
Autosomal recessive Alport syndrome (ATS2). Also called: COL4A4 Alport Syndrome and Thin Basement Membrane Nephropathy; Alport syndrome type 2; COL4A3-Related Nephropathy; ALPORT SYNDROME 2, AUTOSOMAL RECESSIVE. Identifiers: Orphanet 63, Orphanet 88919, MedGen C4746745, MONDO:0008762, OMIM 203780.
Alport syndrome. Also called: Hemorrhagic familial nephritis; Hemorrhagic hereditary nephritis; Congenital hereditary hematuria. Identifiers: Orphanet 63, MedGen C1567741, MONDO:0018965.

Submissions (2):

Natera, Inc.
Classification: Likely pathogenic for Alport syndrome. Last evaluated: 2024-05-01. Review status: criteria provided, single submitter. Criteria: Natera Variant Classification Schema (03/2026). Collection method: clinical testing. Allele origin: germline.
Comment: The c.931-2A>T variant in COL4A4 is a canonical splice acceptor site variant predicted to affect pre-mRNA splicing, which may result in an abnormal transcript and altered protein product. This variant is expected to result in nonsense mediated decay, truncation, or a dysfunctional protein product. This variant is rare in the general population with a frequency below the threshold expected for the associated phenotype(s). Given the available evidence, this variant is classified as Likely Pathogenic.

Clinical Genetics Service, Universitary Hospital 12 de Octubre
Classification: Pathogenic for Autosomal recessive Alport syndrome. Review status: criteria provided, single submitter. Criteria: ACMG Guidelines, 2015. Collection method: clinical testing. Allele origin: paternal. Affected: yes.